The following is an entry in ClinVar:

ClinVar aggregate classification (germline): Likely pathogenic. Review status: criteria provided, multiple submitters, no conflicts (2 of 4 stars). 2 submissions from 2 submitters: Likely pathogenic (2). Last evaluated 2024-05-02.

Conditions:
Hypogonadotropic hypogonadism 2 with or without anosmia (HH2). Also called: FGFR1-Related GnRH Deficiency (Kallmann Syndrome 2); HYPOGONADOTROPIC HYPOGONADISM 2 WITHOUT ANOSMIA; HYPOGONADOTROPIC HYPOGONADISM 2 WITH OR WITHOUT ANOSMIA, SUSCEPTIBILITY TO; HYPOGONADOTROPIC HYPOGONADISM 2 WITHOUT ANOSMIA, SUSCEPTIBILITY TO. Identifiers: Orphanet 478, MedGen C1563720, MONDO:0007844, OMIM 147950. Disease mechanism: loss of function.

Allele frequency attached by ClinVar (database versions not stated): gnomAD exomes below 0.00001.
gnomAD v4.1: 2 of 1,611,968 alleles (0.00012%); highest among the groups gnomAD compares: Non-Finnish European, 0.000085%; no homozygotes.

Submissions (2):

Institute of Immunology and Genetics Kaiserslautern
Classification: Likely pathogenic for Hypogonadotropic hypogonadism 2 with or without anosmia. Last evaluated: 2024-05-02. Review status: criteria provided, single submitter. Criteria: ACMG Guidelines, 2015. Collection method: clinical testing. Allele origin: germline. Affected: yes.
Comment: ACMG Criteria: PM2_P, PP5, PM1, PM5; Variant was found in heterozygous state

Reproductive Endocrine Unit, Massachusetts General Hospital
Classification: Likely pathogenic for Hypogonadotropic hypogonadism 2 with or without anosmia. Last evaluated: 2023-05-04. Review status: criteria provided, single submitter. Criteria: ACMG Guidelines, 2015. Collection method: research. Allele origin: unknown. Affected: yes. Observed: 1 variant allele.

NM_023110.3(FGFR1):c.761G>A (p.Arg254Gln)

Gene: FGFR1 (fibroblast growth factor receptor 1; minus strand). Cytogenetic location: 8p11.23.
Variant type: single nucleotide variant.
Coding change: c.761G>A on transcript NM_023110.3 (MANE Select); coding-DNA position 761, G replaced by A.
Protein change: p.Arg254Gln; replaces arginine 254 with glutamine.
Molecular consequence: missense variant.
Genome position (GRCh38, 1-based): chr8:38,424,684, C>T on the plus strand (G>A on the coding strand, the complement: FGFR1 is on the minus strand). VCF-style: chr8-38424684-C-T. GRCh37 (hg19) VCF-style: chr8-38282202-C-T.
Other names: c.761G>A, p.Arg254Gln (NM_000604.2, NM_001174063.2); c.737G>A, p.Arg246Gln (NM_001174064.2); c.755G>A, p.Arg252Gln (NM_001174065.2, NM_001354367.2, NM_001354369.2 and 2 more transcripts); c.494G>A, p.Arg165Gln (NM_001174066.2, NM_023105.3); c.854G>A, p.Arg285Gln (NM_001174067.2); c.488G>A, p.Arg163Gln (NM_001354368.2, NM_001354370.2, NM_023106.3); short protein forms R163Q, R165Q, R246Q, R252Q, R254Q, R285Q.
Identifiers: ClinVar variation 2505418 (VCV002505418.2), dbSNP rs1820085287, ClinGen allele CA370735156.
Genomic context (GRCh38, chr8:38,424,684, plus strand): 5'-TCCACGTTGCTACCCAGGGCCACTGTTTTGTTGGCGGGCAACCCTGCTTGCAGGATGGGC[C>T]GGTGAGGGGACCGCTCTGTGGAAGATGGGAGAGGAGGCACTTGTCATGGGGACCTTGCCA-3'
Protein context (NP_075598.2, residues 244-264): QLDVVERSPH[Arg254Gln]PILQAGLPAN